The following is an entry in ClinVar:

ClinVar aggregate classification (germline): Uncertain significance (1 of 4 stars; one submission).

gnomAD v4.1: 6 of 1,595,916 alleles (0.00038%); highest among the groups gnomAD compares: Non-Finnish European, 0.00017%; no homozygotes.

Submission:

Labcorp Genetics (formerly Invitae), Labcorp
Classification: Uncertain significance. Last evaluated: 2024-05-24. Review status: criteria provided, single submitter. Criteria: Invitae Variant Classification Sherloc (09022015). Collection method: clinical testing. Allele origin: germline.
Comment: This sequence change replaces valine, which is neutral and non-polar, with isoleucine, which is neutral and non-polar, at codon 108 of the AP3D1 protein (p.Val108Ile). The frequency data for this variant in the population databases is considered unreliable, as metrics indicate poor data quality at this position in the gnomAD database. This variant has not been reported in the literature in individuals affected with AP3D1-related conditions. An algorithm developed to predict the effect of missense changes on protein structure and function (PolyPhen-2) suggests that this variant is likely to be disruptive. In summary, the available evidence is currently insufficient to determine the role of this variant in disease. Therefore, it has been classified as a Variant of Uncertain Significance.

NM_001261826.3(AP3D1):c.322G>A (p.Val108Ile)

Gene: AP3D1 (adaptor related protein complex 3 subunit delta 1; minus strand). Cytogenetic location: 19p13.3.
Variant type: single nucleotide variant.
Coding change: c.322G>A on transcript NM_001261826.3 (MANE Select); coding-DNA position 322, G replaced by A.
Protein change: p.Val108Ile; replaces valine 108 with isoleucine.
Molecular consequence: missense variant.
Genome position (GRCh38, 1-based): chr19:2,137,043, C>T on the plus strand (G>A on the coding strand, the complement: AP3D1 is on the minus strand). VCF-style: chr19-2137043-C-T. GRCh37 (hg19) VCF-style: chr19-2137042-C-T.
Other names: c.322G>A, p.Val108Ile (NM_001374799.1, NM_003938.8); short protein forms V108I.
Identifiers: ClinVar variation 3681873 (VCV003681873.2).